The following is an entry in ClinVar:

NM_001042492.3(NF1):c.6365_6366insGG (p.His2123fs)

Gene: NF1 (neurofibromin 1; plus strand). Cytogenetic location: 17q11.2.
Variant type: Insertion.
Coding change: c.6365_6366insGG on transcript NM_001042492.3 (MANE Select); coding-DNA positions 6365 to 6366, GG inserted.
Protein change: p.His2123fs; shifts the reading frame from histidine 2123.
Molecular consequence: frameshift variant.
Genome position: GRCh38 VCF-style: chr17-31336852-C-CGG. GRCh37 (hg19) VCF-style: chr17-29663870-C-CGG.
Other names: c.6302_6303insGG, p.His2102Aspfs (NM_000267.4); short protein forms H2123fs, H2102fs.
Identifiers: ClinVar variation 457791 (VCV000457791.5), dbSNP rs1555534751, ClinGen allele CA658658564.

ClinVar aggregate classification (germline): Pathogenic (1 of 4 stars; one submission).

Conditions:
Neurofibromatosis, type 1 (NF1). Also called: VON RECKLINGHAUSEN DISEASE; NEUROFIBROMATOSIS, TYPE I, SOMATIC; Peripheral type neurofibromatosis; Neurofibromatosis, type I. Identifiers: Orphanet 636, MedGen C0027831, MONDO:0018975, OMIM 162200. Disease mechanism: loss of function.

Submission:

Labcorp Genetics (formerly Invitae), Labcorp
Classification: Pathogenic for Neurofibromatosis, type 1. Last evaluated: 2017-03-05. Review status: criteria provided, single submitter. Criteria: Invitae Variant Classification Sherloc (09022015). Collection method: clinical testing. Allele origin: germline.
Comment: While this particular variant has not been reported in the literature, loss-of-function variants in NF1 are known to be pathogenic (PMID: 10712197, 23913538). For these reasons, this variant has been classified as Pathogenic. This sequence change inserts 2 nucleotides in exon 41 of the NF1 mRNA (c.6302_6303insGG), causing a frameshift at codon 2102. This creates a premature translational stop signal (p.His2102Aspfs*28) and is expected to result in an absent or disrupted protein product.

Literature cited by the submitters: PubMed 10712197; PubMed 23913538.